The following is an entry in ClinVar:

NM_032447.5(FBN3):c.6571A>T (p.Thr2191Ser)

Gene: FBN3 (fibrillin 3; minus strand). Cytogenetic location: 19p13.2.
Variant type: single nucleotide variant.
Coding change: c.6571A>T on transcript NM_032447.5 (MANE Select); coding-DNA position 6571, A replaced by T.
Protein change: p.Thr2191Ser; replaces threonine 2191 with serine.
Molecular consequence: missense variant.
Genome position (GRCh38, 1-based): chr19:8,087,873, T>A on the plus strand (A>T on the coding strand, the complement: FBN3 is on the minus strand). VCF-style: chr19-8087873-T-A. GRCh37 (hg19) VCF-style: chr19-8152757-T-A.
Other names: c.6571A>T, p.Thr2191Ser (NM_001321431.2); short protein forms T2191S.
Identifiers: ClinVar variation 3688378 (VCV003688378.2).
Genomic context (GRCh38, chr19:8,087,873, plus strand): 5'-AGTCAGGCCTACCTCGACACATGGCCCCATCCTCCCGCAGGGTGTAGCCGGCTGGACAGG[T>A]GCACAGGTAGGAGCCCTCGGTATTGTGGCAGCGGAAGGCACAGAGCAGCGGGTTCAGGGA-3'
Protein context (NP_115823.3, residues 2181-2201): CHNTEGSYLC[Thr2191Ser]CPAGYTLRED

ClinVar aggregate classification (germline): Uncertain significance (1 of 4 stars; one submission).

gnomAD v4.1: 13 of 1,613,954 alleles (0.00081%); highest among the groups gnomAD compares: Non-Finnish European, 0.0011%; no homozygotes.

Submission:

Labcorp Genetics (formerly Invitae), Labcorp
Classification: Uncertain significance. Last evaluated: 2024-02-22. Review status: criteria provided, single submitter. Criteria: Invitae Variant Classification Sherloc (09022015). Collection method: clinical testing. Allele origin: germline.
Comment: This sequence change replaces threonine, which is neutral and polar, with serine, which is neutral and polar, at codon 2191 of the FBN3 protein (p.Thr2191Ser). This variant is not present in population databases (gnomAD no frequency). This variant has not been reported in the literature in individuals affected with FBN3-related conditions. Advanced modeling of protein sequence and biophysical properties (such as structural, functional, and spatial information, amino acid conservation, physicochemical variation, residue mobility, and thermodynamic stability) performed at Invitae indicates that this missense variant is not expected to disrupt FBN3 protein function with a negative predictive value of 80%. In summary, the available evidence is currently insufficient to determine the role of this variant in disease. Therefore, it has been classified as a Variant of Uncertain Significance.